The following is an entry in ClinVar:

NM_001081.4(CUBN):c.8405C>G (p.Thr2802Ser)

Gene: CUBN (cubilin; minus strand). Cytogenetic location: 10p13.
Variant type: single nucleotide variant.
Coding change: c.8405C>G on transcript NM_001081.4 (MANE Select); coding-DNA position 8405, C replaced by G.
Protein change: p.Thr2802Ser; replaces threonine 2802 with serine.
Molecular consequence: missense variant.
Genome position (GRCh38, 1-based): chr10:16,900,630, G>C on the plus strand (C>G on the coding strand, the complement: CUBN is on the minus strand). VCF-style: chr10-16900630-G-C. GRCh37 (hg19) VCF-style: chr10-16942629-G-C.
Other names: short protein forms T2802S.
Identifiers: ClinVar variation 3614242 (VCV003614242.2).

ClinVar aggregate classification (germline): Uncertain significance (1 of 4 stars; one submission).

Conditions:
Imerslund-Grasbeck syndrome. Also called: Imerslund-Gräsbeck syndrome; ENTEROCYTE COBALAMIN MALABSORPTION; ENTEROCYTE INTRINSIC FACTOR RECEPTOR, DEFECT OF; PERNICIOUS ANEMIA, JUVENILE, DUE TO SELECTIVE INTESTINAL MALABSORPTION OF VITAMIN B12, WITH PROTEINURIA; Megaloblastic anemia due to inborn errors of metabolism. Identifiers: Orphanet 35858, MedGen C4551825, MONDO:0009853.

gnomAD v4.1: 6 of 1,610,736 alleles (0.00037%); highest among the groups gnomAD compares: African/African-American, 0.0067%; no homozygotes.

Submission:

Labcorp Genetics (formerly Invitae), Labcorp
Classification: Uncertain significance for Imerslund-Grasbeck syndrome. Last evaluated: 2025-07-07. Review status: criteria provided, single submitter. Criteria: Invitae Variant Classification Sherloc (09022015). Collection method: clinical testing. Allele origin: germline.
Comment: This sequence change replaces threonine, which is neutral and polar, with serine, which is neutral and polar, at codon 2802 of the CUBN protein (p.Thr2802Ser). This variant is not present in population databases (gnomAD no frequency). This variant has not been reported in the literature in individuals affected with CUBN-related conditions. ClinVar contains an entry for this variant (Variation ID: 3614242). Invitae Evidence Modeling of protein sequence and biophysical properties (such as structural, functional, and spatial information, amino acid conservation, physicochemical variation, residue mobility, and thermodynamic stability) indicates that this missense variant is not expected to disrupt CUBN protein function with a negative predictive value of 80%. In summary, the available evidence is currently insufficient to determine the role of this variant in disease. Therefore, it has been classified as a Variant of Uncertain Significance.